The following is an entry in ClinVar:

ClinVar aggregate classification (germline): Likely benign. Review status: criteria provided, multiple submitters, no conflicts (2 of 4 stars). 3 submissions from 3 submitters: Likely benign (3). Last evaluated 2025-02-27.

Conditions:
Ehlers-Danlos syndrome, type 4 (EDSVASC). Also called: Ehlers-Danlos syndrome vascular type; Ehlers Danlos syndrome, ecchymotic type; Ehlers Danlos syndrome, arterial type; Ehlers Danlos syndrome, Sack-Barabas type; Ehlers-Danlos Syndrome Type IV. Identifiers: Orphanet 286, MedGen C0268338, MONDO:0017314, OMIM 130050.
Familial thoracic aortic aneurysm and aortic dissection (TAAD). Also called: Thoracic aortic aneurysms and dissections. Identifiers: Orphanet 91387, MedGen C4707243, MONDO:0019625.

Allele frequency attached by ClinVar (database versions not stated): gnomAD exomes below 0.00001 and 0.00001; ExAC 0.00001; gnomAD 0.00001; TOPMed 0.00001.
gnomAD v4.1: 9 of 1,608,466 alleles (0.00056%); highest among the groups gnomAD compares: African/African-American, 0.004%; no homozygotes.

Submissions (3):

Ambry Genetics
Classification: Likely benign for Familial thoracic aortic aneurysm and aortic dissection. Last evaluated: 2025-02-27. Review status: criteria provided, single submitter. Criteria: Ambry Variant Classification Scheme 2023. Collection method: clinical testing. Allele origin: germline.

All of Us Research Program, National Institutes of Health
Classification: Likely benign for Ehlers-Danlos syndrome, type 4. Last evaluated: 2023-07-10. Review status: criteria provided, single submitter. Criteria: ACMG Guidelines, 2015. Collection method: clinical testing. Allele origin: germline. Inheritance: Autosomal dominant inheritance. Observed: 1 variant allele, 1 heterozygote.
Comment: This study involves interpretation of variants in research participants for the purpose of population health screening. Participant phenotype was not available at the time of variant classification. Additional details can be found in publication PMID: 35346344, PMCID: PMC8962531

Labcorp Genetics (formerly Invitae), Labcorp
Classification: Likely benign for Ehlers-Danlos syndrome, type 4. Last evaluated: 2023-04-28. Review status: criteria provided, single submitter. Criteria: Invitae Variant Classification Sherloc (09022015). Collection method: clinical testing. Allele origin: germline.

NM_000090.4(COL3A1):c.1348-4T>C

Gene: COL3A1 (collagen type III alpha 1 chain; plus strand). Cytogenetic location: 2q32.2.
Variant type: single nucleotide variant.
Coding change: c.1348-4T>C on transcript NM_000090.4 (MANE Select); 4 bases into the intron before coding-DNA position 1348, T replaced by C.
Molecular consequence: intron variant.
Genome position (GRCh38, 1-based): chr2:188,994,720, T>C. VCF-style: chr2-188994720-T-C. GRCh37 (hg19) VCF-style: chr2-189859446-T-C.
Other names: c.1348-4T>C (NM_000090.3).
Identifiers: ClinVar variation 1122088 (VCV001122088.9), dbSNP rs756811190, ClinGen allele CA074251.